The following is an entry in ClinVar:

ClinVar aggregate classification (germline): Uncertain significance (1 of 4 stars; one submission).

Allele frequency attached by ClinVar (database versions not stated): gnomAD exomes below 0.00001; gnomAD 0.00001; TOPMed below 0.00001; ExAC 0.00001.
gnomAD v4.1: 3 of 1,613,842 alleles (0.00019%); highest among the groups gnomAD compares: African/African-American, 0.0013%; no homozygotes.

Submission:

Ambry Genetics
Classification: Uncertain significance. Last evaluated: 2025-11-04. Review status: criteria provided, single submitter. Criteria: Ambry Variant Classification Scheme 2023. Collection method: clinical testing. Allele origin: germline.
Comment: The p.D510G variant (also known as c.1529A>G), located in coding exon 16 of the SRP72 gene, results from an A to G substitution at nucleotide position 1529. The aspartic acid at codon 510 is replaced by glycine, an amino acid with similar properties. This amino acid position is conserved. In addition, this alteration is predicted to be deleterious by in silico analysis. Based on the available evidence, the clinical significance of this variant remains unclear.

NM_006947.4(SRP72):c.1529A>G (p.Asp510Gly)

Gene: SRP72 (signal recognition particle 72; plus strand). Cytogenetic location: 4q12.
Variant type: single nucleotide variant.
Coding change: c.1529A>G on transcript NM_006947.4 (MANE Select); coding-DNA position 1529, A replaced by G.
Protein change: p.Asp510Gly; replaces aspartic acid 510 with glycine.
Molecular consequence: missense variant. On other transcripts: non-coding transcript variant (1).
Genome position (GRCh38, 1-based): chr4:56,491,457, A>G. VCF-style: chr4-56491457-A-G. GRCh37 (hg19) VCF-style: chr4-57357623-A-G.
Other names: c.1346A>G, p.Asp449Gly (NM_001267722.2); short protein forms D510G, D449G.
Identifiers: ClinVar variation 3170030 (VCV003170030.2), dbSNP rs763049389, ClinGen allele CA2931399.